The following is an entry in ClinVar:

NM_000540.3(RYR1):c.14929G>A (p.Glu4977Lys)

Gene: RYR1 (ryanodine receptor 1; plus strand). Cytogenetic location: 19q13.2.
Variant type: single nucleotide variant.
Coding change: c.14929G>A on transcript NM_000540.3 (MANE Select); coding-DNA position 14929, G replaced by A.
Protein change: p.Glu4977Lys; replaces glutamic acid 4977 with lysine.
Molecular consequence: missense variant.
Genome position (GRCh38, 1-based): chr19:38,586,151, G>A. VCF-style: chr19-38586151-G-A. GRCh37 (hg19) VCF-style: chr19-39076791-G-A.
Other names: c.14914G>A, p.Glu4972Lys (NM_001042723.2); short protein forms E4972K, E4977K.
Identifiers: ClinVar variation 4282367 (VCV004282367.1).
Genomic context (GRCh38, chr19:38,586,151, plus strand): 5'-ACCAAGTGCTTCATCTGTGGAATCGGCAGTGACTACTTTGATACGACACCGCATGGCTTC[G>A]AGACTCACACGCTGGAGGAGCACAACCTGGCCAATTACATGTGAGCAGACACACTGGCCA-3'
Protein context (NP_000531.2, residues 4967-4987): DYFDTTPHGF[Glu4977Lys]THTLEEHNLA

ClinVar aggregate classification (germline): Likely pathogenic (1 of 4 stars; one submission).

gnomAD v4.1: 1 of 1,614,070 alleles (0.000062%); highest among the groups gnomAD compares: Non-Finnish European, 0.000085%; no homozygotes.

Submission:

GeneDx
Classification: Likely pathogenic. Last evaluated: 2025-04-15. Review status: criteria provided, single submitter. Criteria: GeneDx Variant Classification Process June 2021. Collection method: clinical testing. Allele origin: germline. Affected: yes.
Comment: Not observed at significant frequency in large population cohorts (gnomAD); In silico analysis supports that this missense variant has a deleterious effect on protein structure/function; This variant is associated with the following publications: (PMID: 20681998, 33767344, 28357410, 32528171)